The following is an entry in ClinVar:

ClinVar aggregate classification (germline): Uncertain significance (1 of 4 stars; one submission).

Conditions:
Gastrointestinal stromal tumor. Also called: Gastrointestinal stromal tumor, somatic; Gastrointestinal stroma tumor. Identifiers: Orphanet 44890, MedGen C0238198, MeSH D046152, MONDO:0011719, OMIM 606764, HP:0100723.

Submission:

Labcorp Genetics (formerly Invitae), Labcorp
Classification: Uncertain significance for Gastrointestinal stromal tumor. Last evaluated: 2020-03-06. Review status: criteria provided, single submitter. Criteria: Invitae Variant Classification Sherloc (09022015). Collection method: clinical testing. Allele origin: germline.
Comment: In summary, the available evidence is currently insufficient to determine the role of this variant in disease. Therefore, it has been classified as a Variant of Uncertain Significance. Algorithms developed to predict the effect of missense changes on protein structure and function are either unavailable or do not agree on the potential impact of this missense change (SIFT: "Tolerated"; PolyPhen-2: "Probably Damaging"; Align-GVGD: "Class C0"). This variant has not been reported in the literature in individuals with PDGFRA-related conditions. This variant is not present in population databases (ExAC no frequency). This sequence change replaces glycine with valine at codon 990 of the PDGFRA protein (p.Gly990Val). The glycine residue is highly conserved and there is a moderate physicochemical difference between glycine and valine.

NM_006206.6(PDGFRA):c.2969G>T (p.Gly990Val)

Gene: PDGFRA (platelet derived growth factor receptor alpha; plus strand). Cytogenetic location: 4q12.
Variant type: single nucleotide variant.
Coding change: c.2969G>T on transcript NM_006206.6 (MANE Select); coding-DNA position 2969, G replaced by T.
Protein change: p.Gly990Val; replaces glycine 990 with valine.
Molecular consequence: missense variant.
Genome position (GRCh38, 1-based): chr4:54,290,401, G>T. VCF-style: chr4-54290401-G-T. GRCh37 (hg19) VCF-style: chr4-55156568-G-T.
Other names: c.3008G>T, p.Gly1003Val (NM_001347830.2); c.3044G>T, p.Gly1015Val (NM_001347828.2); c.2969G>T, p.Gly990Val (NM_001347829.2); short protein forms G990V, G1003V, G1015V.
Identifiers: ClinVar variation 1045505 (VCV001045505.9), dbSNP rs1724567367, ClinGen allele CA356896092.